The following is an entry in ClinVar:

NM_173495.3(PTCHD1):c.1878del (p.Gln627fs)

Gene: PTCHD1 (patched domain containing 1; plus strand). Cytogenetic location: Xp22.11.
Variant type: Deletion.
Coding change: c.1878del on transcript NM_173495.3 (MANE Select); coding-DNA position 1878, one base deleted (T; older notation c.1878delT).
Protein change: p.Gln627fs; shifts the reading frame from glutamine 627.
Molecular consequence: frameshift variant.
Genome position (GRCh38, 1-based): chrX:23,393,396, T deleted; the last of 4 consecutive T bases (chrX:23,393,393-23,393,396); deleting any one gives the same sequence. VCF-style (leftmost placement, unchanged base first): chrX-23393392-AT-A. GRCh37 (hg19) VCF-style: chrX-23411509-AT-A.
Other names: short protein forms Q627fs.
Identifiers: ClinVar variation 504435 (VCV000504435.2), dbSNP rs1555912737, ClinGen allele CA658799626.

ClinVar aggregate classification (germline): Likely pathogenic (1 of 4 stars; one submission).

Submission:

GeneDx
Classification: Likely pathogenic. Last evaluated: 2018-03-08. Review status: criteria provided, single submitter. Criteria: GeneDx Variant Classification (06012015). Collection method: clinical testing. Allele origin: germline. Affected: yes.
Comment: The c.1878delT variant has not been published as a pathogenic variant, nor has it been reported as a benign variant to our knowledge. The c.1878delT variant is not observed in large population cohorts (Lek et al., 2016). The c.1878delT variant causes a frameshift starting with codon Glutamine 627, changes this amino acid to a Lysine residue, and creates a premature Stop codon at position 16 of the new reading frame, denoted p.Gln627LysfsX16. This variant is predicted to cause loss of normal protein function through protein truncation as the last 262 amino acids of the protein are lost and replaced with 15 incorrect amino acids. Therefore, this variant is likely pathogenic; however, the possibility that it is benign cannot be excluded.